The following is an entry in ClinVar:

ClinVar aggregate classification (germline): Uncertain significance (1 of 4 stars; one submission).

Submission:

GeneDx
Classification: Uncertain significance. Last evaluated: 2023-02-09. Review status: criteria provided, single submitter. Criteria: GeneDx Variant Classification Process June 2021. Collection method: clinical testing. Allele origin: germline. Affected: yes.
Comment: Frameshift variant predicted to result in protein truncation as the last 40 amino acids are replaced with unknown number different amino acids, although loss-of-function variants have not been reported downstream of this position in the protein; Not observed at significant frequency in large population cohorts (gnomAD); Has not been previously published as pathogenic or benign to our knowledge

NM_001084.5(PLOD3):c.2096_2097del (p.Val699fs)

Gene: PLOD3 (procollagen-lysine,2-oxoglutarate 5-dioxygenase 3; minus strand). Cytogenetic location: 7q22.1.
Variant type: Microsatellite.
Coding change: c.2096_2097del on transcript NM_001084.5 (MANE Select); coding-DNA positions 2096 to 2097, 2 bases deleted (TG; older notation c.2096_2097delTG).
Protein change: p.Val699fs; shifts the reading frame from valine 699.
Molecular consequence: frameshift variant.
Genome position (GRCh38, 1-based): chr7:101,206,401-101,206,402, CA deleted on the plus strand (TG on the coding strand, the reverse complement: PLOD3 is on the minus strand); deleting any 2 consecutive bases within chr7:101,206,401-101,206,406 gives the same sequence; the c. name uses the placement nearest the transcript's 3' end. VCF-style (leftmost placement, unchanged base first): chr7-101206400-TCA-T. GRCh37 (hg19) VCF-style: chr7-100849681-TCA-T.
Other names: short protein forms V699fs.
Identifiers: ClinVar variation 2575824 (VCV002575824.1), dbSNP rs1268576956, ClinGen allele CA576718647.